The following is an entry in ClinVar:

NM_002691.4(POLD1):c.3120+20_3120+34del

Gene: POLD1 (DNA polymerase delta 1, catalytic subunit; plus strand). Cytogenetic location: 19q13.33.
Variant type: Deletion.
Coding change: c.3120+20_3120+34del on transcript NM_002691.4 (MANE Select); bases 20 to 34 of the intron after coding-DNA position 3120, 15 bases deleted (AGGAGGGGCCAGGTG).
Molecular consequence: intron variant.
Genome position (GRCh38, 1-based): chr19:50,417,117-50,417,131, AGGAGGGGCCAGGTG deleted; deleting any 15 consecutive bases within chr19:50,417,112-50,417,131 gives the same sequence; the c. name uses the placement nearest the transcript's 3' end. VCF-style (leftmost placement, unchanged base first): chr19-50417111-GAGGTGAGGAGGGGCC-G. GRCh37 (hg19) VCF-style: chr19-50920368-GAGGTGAGGAGGGGCC-G.
Other names: c.3120+20_3120+34del (NM_001256849.1); c.3198+20_3198+34del (NM_001308632.1).
Identifiers: ClinVar variation 2025094 (VCV002025094.4), dbSNP rs2514075493, ClinGen allele CA2580097859.

ClinVar aggregate classification (germline): Uncertain significance (1 of 4 stars; one submission).

Conditions:
POLD1-related polyposis and colorectal cancer syndrome (CRCS10). Also called: Colorectal cancer 10; COLORECTAL CANCER, SUSCEPTIBILITY TO, ON CHROMOSOME 19q; Colorectal cancer, susceptibility to, 10. Identifiers: Orphanet 220460, MedGen C2675481, MONDO:0012953, OMIM 612591.

Submission:

Labcorp Genetics (formerly Invitae), Labcorp
Classification: Uncertain significance for POLD1-related polyposis and colorectal cancer syndrome. Last evaluated: 2023-03-24. Review status: criteria provided, single submitter. Criteria: Invitae Variant Classification Sherloc (09022015). Collection method: clinical testing. Allele origin: germline.
Comment: In summary, the available evidence is currently insufficient to determine the role of this variant in disease. Therefore, it has been classified as a Variant of Uncertain Significance. Studies have shown that this variant results in skipping of exon 25 and introduces a new termination codon (Invitae). However the mRNA is not expected to undergo nonsense-mediated decay. ClinVar contains an entry for this variant (Variation ID: 2025094). This variant has not been reported in the literature in individuals affected with POLD1-related conditions. This variant is not present in population databases (gnomAD no frequency). This sequence change falls in intron 25 of the POLD1 gene. It does not directly change the encoded amino acid sequence of the POLD1 protein. RNA analysis indicates that this variant induces altered splicing and likely disrupts the C-terminus of the protein.